The following is an entry in ClinVar:

ClinVar aggregate classification (germline): Benign. Review status: criteria provided, multiple submitters, no conflicts (2 of 4 stars). 3 submissions from 3 submitters: Benign (3). Last evaluated 2018-07-20.

Allele frequency attached by ClinVar (database versions not stated): 1000 Genomes Project 30x 0.00312; 1000 Genomes Project 0.00339; gnomAD exomes 0.00561 and 0.00838; ExAC 0.00584; gnomAD 0.00625 and 0.00633; TOPMed 0.00695; ESP Exome Variant Server 0.00761.
gnomAD v4.1: 13,168 of 1,614,060 alleles (0.82%); highest among the groups gnomAD compares: Middle Eastern, 1.6%; 79 homozygotes.

Submissions (3):

Labcorp Genetics (formerly Invitae), Labcorp
Classification: Benign. Last evaluated: 2018-07-20. Review status: criteria provided, single submitter. Criteria: Invitae Variant Classification Sherloc (09022015). Collection method: clinical testing. Allele origin: germline.

Laboratory for Molecular Medicine, Mass General Brigham Personalized Medicine
Classification: Benign. Last evaluated: 2016-03-29. Review status: criteria provided, single submitter. Criteria: LMM Criteria. Collection method: clinical testing. Allele origin: germline.
Comment: Variant identified in a genome or exome case(s) and assessed due to predicted null impact of the variant or pathogenic assertions in the literature or databases. Disclaimer: This variant has not undergone full assessment. The following are preliminary notes: MAF

Breakthrough Genomics
Classification: Benign. Review status: criteria provided, single submitter. Criteria: ACMG Guidelines, 2015. Collection method: not provided. Allele origin: germline. Inheritance: Unknown mechanism. Affected: yes.

NM_001347886.2(DNAH3):c.5865C>T (p.Asn1955=)

Gene: DNAH3 (dynein axonemal heavy chain 3; minus strand). Cytogenetic location: 16p12.3.
Variant type: single nucleotide variant.
Coding change: c.5865C>T on transcript NM_001347886.2 (MANE Select); coding-DNA position 5865, C replaced by T.
Protein change: p.Asn1955=; no amino-acid change (asparagine 1955 retained).
Molecular consequence: synonymous variant.
Genome position (GRCh38, 1-based): chr16:21,019,643, G>A on the plus strand (C>T on the coding strand, the complement: DNAH3 is on the minus strand). VCF-style: chr16-21019643-G-A. GRCh37 (hg19) VCF-style: chr16-21030965-G-A.
Other names: c.6003C>T, p.Asn2001= (NM_017539.2).
Identifiers: ClinVar variation 402722 (VCV000402722.8), dbSNP rs148237228, ClinGen allele CA7947255.